The following is an entry in ClinVar:

ClinVar aggregate classification (germline): Uncertain significance (1 of 4 stars; one submission).

Conditions:
Melnick-Fraser syndrome (BOR). Also called: Branchio-oto-renal syndrome; Branchiootorenal Syndrome (BORS); Branchiootorenal syndrome. Identifiers: Orphanet 107, MedGen C0265234, MONDO:0007029.

gnomAD v4.1: 7 of 1,614,108 alleles (0.00043%); highest among the groups gnomAD compares: Non-Finnish European, 0.00059%; no homozygotes.

Submission:

Labcorp Genetics (formerly Invitae), Labcorp
Classification: Uncertain significance for Melnick-Fraser syndrome. Last evaluated: 2025-11-19. Review status: criteria provided, single submitter. Criteria: Invitae Variant Classification Sherloc (09022015). Collection method: clinical testing. Allele origin: germline.
Comment: This sequence change replaces proline, which is neutral and non-polar, with threonine, which is neutral and polar, at codon 261 of the EYA1 protein (p.Pro261Thr). This variant is present in population databases (rs766545848, gnomAD 0.0009%). This variant has not been reported in the literature in individuals affected with EYA1-related conditions. Invitae Evidence Modeling of protein sequence and biophysical properties (such as structural, functional, and spatial information, amino acid conservation, physicochemical variation, residue mobility, and thermodynamic stability) has been performed for this missense variant. However, the output from this modeling did not meet the statistical confidence thresholds required to predict the impact of this variant on EYA1 protein function. In summary, the available evidence is currently insufficient to determine the role of this variant in disease. Therefore, it has been classified as a Variant of Uncertain Significance.

NM_000503.6(EYA1):c.781C>A (p.Pro261Thr)

Gene: EYA1 (EYA transcriptional coactivator and phosphatase 1; minus strand). Cytogenetic location: 8q13.3.
Variant type: single nucleotide variant.
Coding change: c.781C>A on transcript NM_000503.6 (MANE Select); coding-DNA position 781, C replaced by A.
Protein change: p.Pro261Thr; replaces proline 261 with threonine.
Molecular consequence: missense variant.
Genome position (GRCh38, 1-based): chr8:71,299,092, G>T on the plus strand (C>A on the coding strand, the complement: EYA1 is on the minus strand). VCF-style: chr8-71299092-G-T. GRCh37 (hg19) VCF-style: chr8-72211327-G-T.
Other names: c.763C>A, p.Pro255Thr (NM_001288574.2); c.415C>A, p.Pro139Thr (NM_001288575.2); c.868C>A, p.Pro290Thr (NM_001370333.1); c.781C>A, p.Pro261Thr (NM_001370334.1, NM_001370335.1, NM_172058.4); c.850C>A, p.Pro284Thr (NM_001370336.1); c.682C>A, p.Pro228Thr (NM_001411797.1, NM_172060.4); c.853C>A, p.Pro285Thr (NM_172059.5); short protein forms P139T, P228T, P255T, P261T, P284T, P285T, P290T.
Identifiers: ClinVar variation 4810465 (VCV004810465.1).